The following is an entry in ClinVar:

NM_001082538.3(TCTN1):c.209_210del (p.Pro70fs)

Gene: TCTN1 (tectonic family member 1; plus strand). Cytogenetic location: 12q24.11.
Variant type: Deletion.
Coding change: c.209_210del on transcript NM_001082538.3 (MANE Select); coding-DNA positions 209 to 210, 2 bases deleted (CA; older notation c.209_210delCA).
Protein change: p.Pro70fs; shifts the reading frame from proline 70.
Molecular consequence: frameshift variant. On other transcripts: 5 prime UTR variant (4), non-coding transcript variant (1).
Genome position (GRCh38, 1-based): chr12:110,614,391-110,614,392, CA deleted. VCF-style (leftmost placement, unchanged base first): chr12-110614390-CCA-C. GRCh37 (hg19) VCF-style: chr12-111052195-CCA-C.
Other names: c.209_210del, p.Pro70fs (NM_001082537.3, NM_001319680.2, NM_024549.6); c.-21_-20del (NM_001173975.3, NM_001319682.3); c.-48_-47del (NM_001173976.2); c.-499_-498del (NM_001319681.2); short protein forms P70fs.
Identifiers: ClinVar variation 2939936 (VCV002939936.3), dbSNP rs1456431690, ClinGen allele CA683483214.

ClinVar aggregate classification (germline): Pathogenic (1 of 4 stars; one submission).

Conditions:
Joubert syndrome. Also called: CEREBELLOPARENCHYMAL DISORDER IV; JOUBERT-BOLTSHAUSER SYNDROME; Familial aplasia of the vermis. Identifiers: Orphanet 475, MedGen C5979921, MONDO:0018772.
Meckel-Gruber syndrome. Also called: DYSENCEPHALIA SPLANCHNOCYSTICA; GRUBER SYNDROME; Dysencephalia splachnocystica. Identifiers: Orphanet 564, MedGen C0265215, MONDO:0018921.

Allele frequency attached by ClinVar (database versions not stated): TOPMed below 0.00001.

Submission:

Labcorp Genetics (formerly Invitae), Labcorp
Classification: Pathogenic for Joubert syndrome; Meckel-Gruber syndrome. Last evaluated: 2022-11-28. Review status: criteria provided, single submitter. Criteria: Invitae Variant Classification Sherloc (09022015). Collection method: clinical testing. Allele origin: germline.
Comment: For these reasons, this variant has been classified as Pathogenic. This variant has not been reported in the literature in individuals affected with TCTN1-related conditions. This variant is not present in population databases (gnomAD no frequency). This sequence change creates a premature translational stop signal (p.Pro70Argfs*11) in the TCTN1 gene. It is expected to result in an absent or disrupted protein product. Loss-of-function variants in TCTN1 are known to be pathogenic (PMID: 21725307, 22693042, 27894351).

Literature cited by the submitters: PubMed 21725307; PubMed 22693042; PubMed 27894351.